The following is an entry in ClinVar:

ClinVar aggregate classification (germline): Likely pathogenic (1 of 4 stars; one submission).

Conditions:
Primary ciliary dyskinesia 3. Identifiers: Orphanet 244, MedGen C1837618, MONDO:0012085, OMIM 608644.

Submission:

Myriad Genetics, Inc.
Classification: Likely pathogenic for Primary ciliary dyskinesia 3. Last evaluated: 2025-06-11. Review status: criteria provided, single submitter. Criteria: Myriad Autosomal Dominant, Autosomal Recessive and X-Linked Classification Criteria (2023). Collection method: clinical testing. Allele origin: unknown.
Comment: NM_001369.2(DNAH5):c.5114+1G>T is a variant in a canonical splice site classified as likely pathogenic in the context of primary ciliary dyskinesia, DNAH5-related. c.5114+1G>T has not been observed in cases with relevant disease. Relevant functional assessments of this variant are not available in the literature. c.5114+1G>T has not been observed in referenced population frequency databases. In summary, NM_001369.2(DNAH5):c.5114+1G>T is a variant in a canonical splice site in a gene where loss of function is a known mechanism of disease and is predicted to disrupt protein function. Please note: this variant was assessed in the context of healthy population screening.

NM_001369.3(DNAH5):c.5114+1G>T

Gene: DNAH5 (dynein axonemal heavy chain 5; minus strand). Cytogenetic location: 5p15.2.
Variant type: single nucleotide variant.
Coding change: c.5114+1G>T on transcript NM_001369.3 (MANE Select); the canonical splice donor site of the intron after coding-DNA position 5114, G replaced by T.
Molecular consequence: splice donor variant.
Genome position (GRCh38, 1-based): chr5:13,850,651, C>A on the plus strand (G>T on the coding strand, the complement: DNAH5 is on the minus strand). VCF-style: chr5-13850651-C-A. GRCh37 (hg19) VCF-style: chr5-13850760-C-A.
Identifiers: ClinVar variation 4081627 (VCV004081627.1).
Genomic context (GRCh38, chr5:13,850,651, plus strand): 5'-GTCTCCCTGTATCCTTTTGTCTCAAGGATACCGAGAGCTTTCAAAGAGCCAGTGAACTTA[C>A]CCAGTAAGGGATTTCTGGCATATTTCCAACTGGTCCAGCAAGTGTGGTAACAGCTGCCCC-3'